The following is an entry in ClinVar:

NM_001277115.2(DNAH11):c.6565C>T (p.Arg2189Ter)

Gene: DNAH11 (dynein axonemal heavy chain 11; plus strand). Cytogenetic location: 7p15.3.
Variant type: single nucleotide variant.
Coding change: c.6565C>T on transcript NM_001277115.2 (MANE Select); coding-DNA position 6565, C replaced by T.
Protein change: p.Arg2189Ter; replaces arginine 2189 with a stop codon.
Molecular consequence: nonsense.
Genome position (GRCh38, 1-based): chr7:21,707,717, C>T. VCF-style: chr7-21707717-C-T. GRCh37 (hg19) VCF-style: chr7-21747335-C-T.
Other names: short protein forms R2189*.
Identifiers: ClinVar variation 974843 (VCV000974843.13), dbSNP rs778698443, ClinGen allele CA4180893.

ClinVar aggregate classification (germline): Conflicting classifications of pathogenicity. Review status: criteria provided, conflicting classifications (1 of 4 stars). 6 submissions from 6 submitters: Pathogenic (3); Likely pathogenic (2); Uncertain significance (1). Last evaluated 2024-12-10.

Conditions:
DNAH11-related disorders.
DNAH11-related disorder. Also called: DNAH11-related condition.
Primary ciliary dyskinesia 7. Also called: CILIARY DYSKINESIA, PRIMARY, 7, WITH OR WITHOUT SITUS INVERSUS. Identifiers: Orphanet 244, MedGen C2678473, MONDO:0012748, OMIM 611884.
Primary ciliary dyskinesia. Also called: Ciliary dyskinesia. Identifiers: Orphanet 244, MedGen C0008780, MONDO:0016575, HP:0012265.

Allele frequency attached by ClinVar (database versions not stated): gnomAD exomes below 0.00001 and 0.00002; gnomAD 0.00001; TOPMed 0.00002; ExAC 0.00003.
gnomAD v4.1: 8 of 1,612,326 alleles (0.0005%); highest among the groups gnomAD compares: East Asian, 0.0089%; no homozygotes.

Submissions (6):

GeneDx
Classification: Uncertain significance. Last evaluated: 2024-12-10. Review status: criteria provided, single submitter. Criteria: GeneDx Variant Classification Process June 2021. Collection method: clinical testing. Allele origin: germline. Affected: yes.
Comment: Nonsense variant predicted to result in protein truncation or nonsense mediated decay in a gene for which loss of function is a known mechanism of disease; This variant is associated with the following publications: (PMID: 31879361, 32860008)

PreventionGenetics, part of Exact Sciences
Classification: Pathogenic for DNAH11-related condition. Last evaluated: 2024-11-27. Review status: criteria provided, single submitter. Criteria: ACMG Guidelines, 2015. Collection method: clinical testing. Allele origin: germline.
Comment: The DNAH11 c.6565C>T variant is predicted to result in premature protein termination (p.Arg2189*). This variant in the compound heterozygous condition along with a second variant in this gene has been reported in at least one individual with primary ciliary dyskinesia (Table S3, Fassad et al. 2020. PubMed ID: 31879361). This variant is reported in 0.036% of alleles in individuals of East Asian descent in gnomAD. Nonsense variants in DNAH11 are expected to be pathogenic. This variant is interpreted as pathogenic.

Labcorp Genetics (formerly Invitae), Labcorp
Classification: Pathogenic for Primary ciliary dyskinesia. Last evaluated: 2024-11-11. Review status: criteria provided, single submitter. Criteria: Invitae Variant Classification Sherloc (09022015). Collection method: clinical testing. Allele origin: germline.
Comment: This sequence change creates a premature translational stop signal (p.Arg2189*) in the DNAH11 gene. It is expected to result in an absent or disrupted protein product. Loss-of-function variants in DNAH11 are known to be pathogenic (PMID: 18022865, 20513915, 22184204). This variant is present in population databases (rs778698443, gnomAD 0.04%). This premature translational stop signal has been observed in individual(s) with primary ciliary dyskinesia (PMID: 31879361). ClinVar contains an entry for this variant (Variation ID: 974843). For these reasons, this variant has been classified as Pathogenic.

Blueprint Genetics
Classification: Likely pathogenic for DNAH11-related disorders. Last evaluated: 2021-05-31. Review status: criteria provided, single submitter. Criteria: ACMG Guidelines, 2015. Collection method: clinical testing. Allele origin: germline. Affected: yes. Observed: 4 variant alleles.

Revvity Omics, Revvity
Classification: Pathogenic for Primary ciliary dyskinesia 7. Last evaluated: 2020-02-27. Review status: criteria provided, single submitter. Criteria: ACMG Guidelines, 2015. Collection method: clinical testing. Allele origin: germline.

CENTOGENE GmbH and LLC - Guiding Precision Medicine
Classification: Likely pathogenic for Primary ciliary dyskinesia 7. Review status: criteria provided, single submitter. Criteria: ACMG Guidelines, 2015. Collection method: clinical testing. Allele origin: germline. Affected: yes.

Literature cited by the submitters: PubMed 18022865 (cited by Labcorp Genetics (formerly Invitae), Labcorp); PubMed 20513915 (cited by Labcorp Genetics (formerly Invitae), Labcorp); PubMed 22184204 (cited by Labcorp Genetics (formerly Invitae), Labcorp); PubMed 31879361 (cited by Labcorp Genetics (formerly Invitae), Labcorp); PubMed 32860008 (cited by CENTOGENE GmbH and LLC - Guiding Precision Medicine).